The following is an entry in ClinVar:

NM_000512.5(GALNS):c.1462G>A (p.Val488Met)

Genes: GALNS (galactosamine (N-acetyl)-6-sulfatase; minus strand), LOC126862447 (CDK7 strongly-dependent group 2 enhancer GRCh37_chr16:88884193-88885392; plus strand). Cytogenetic location: 16q24.3.
Variant type: single nucleotide variant.
Coding change: c.1462G>A on transcript NM_000512.5 (MANE Select); coding-DNA position 1462, G replaced by A.
Protein change: p.Val488Met; replaces valine 488 with methionine.
Molecular consequence: missense variant.
Genome position (GRCh38, 1-based): chr16:88,818,027, C>T on the plus strand (G>A on the coding strand, the complement: GALNS is on the minus strand). VCF-style: chr16-88818027-C-T. GRCh37 (hg19) VCF-style: chr16-88884435-C-T.
Other names: c.907G>A, p.Val303Met (NM_001323543.2); c.1480G>A, p.Val494Met (NM_001323544.2); short protein forms V488M, V303M, V494M.
Identifiers: ClinVar variation 194178 (VCV000194178.30), dbSNP rs78127134, ClinGen allele CA201012.

ClinVar aggregate classification (germline): Benign. Review status: criteria provided, multiple submitters, no conflicts (2 of 4 stars). 10 submissions from 10 submitters: Benign (10). Last evaluated 2026-04-01.

Conditions:
Mucopolysaccharidosis, MPS-IV-A (MPS4A). Also called: MPS IVA; Mucopolysaccharidosis Type IVA; GALACTOSAMINE-6-SULFATASE DEFICIENCY; GALNS DEFICIENCY; MORQUIO A DISEASE; Mucopolysaccharidosis type IV A. Identifiers: Orphanet 309297, Orphanet 582, MedGen C0086651, MONDO:0009659, OMIM 253000.

Allele frequency attached by ClinVar (database versions not stated): ESP Exome Variant Server 0.00008; gnomAD exomes 0.00096 and 0.00433; gnomAD 0.00140 and 0.00203; TOPMed 0.00196; ExAC 0.00580; 1000 Genomes Project 30x 0.01202; 1000 Genomes Project 0.01318.
gnomAD v4.1: 1,872 of 1,583,156 alleles (0.12%); highest among the groups gnomAD compares: East Asian, 3%; 45 homozygotes.

Submissions (10):

CeGaT Center for Human Genetics Tuebingen
Classification: Benign. Last evaluated: 2026-04-01. Review status: criteria provided, single submitter. Criteria: CeGaT Center For Human Genetics Tuebingen Variant Classification Criteria Version 2. Collection method: clinical testing. Allele origin: germline. Affected: yes. Observed: 1 variant allele.
Comment: GALNS: BS1, BS2

Labcorp Genetics (formerly Invitae), Labcorp
Classification: Benign for Mucopolysaccharidosis, MPS-IV-A. Last evaluated: 2026-02-04. Review status: criteria provided, single submitter. Criteria: Invitae Variant Classification Sherloc (09022015). Collection method: clinical testing. Allele origin: germline.

Mayo Clinic Laboratories, Mayo Clinic
Classification: Benign. Last evaluated: 2022-06-22. Review status: criteria provided, single submitter. Criteria: ACMG Guidelines, 2015. Collection method: clinical testing. Allele origin: germline. Observed: 3 variant alleles.
Comment: BA1

Fulgent Genetics
Classification: Benign for Mucopolysaccharidosis, MPS-IV-A. Last evaluated: 2022-04-07. Review status: criteria provided, single submitter. Criteria: ACMG Guidelines, 2015. Collection method: clinical testing. Allele origin: unknown.

Genome-Nilou Lab
Classification: Benign for Mucopolysaccharidosis, MPS-IV-A. Last evaluated: 2021-11-07. Review status: criteria provided, single submitter. Criteria: ACMG Guidelines, 2015. Collection method: clinical testing. Allele origin: germline. Affected: no.

Laboratory of Diagnosis and Therapy of Lysosomal Disorders, University of Padova
Classification: Benign for Mucopolysaccharidosis, MPS-IV-A. Last evaluated: 2021-02-01. Review status: criteria provided, single submitter. Criteria: ACMG Guidelines, 2015. Collection method: curation. Allele origin: germline. Affected: yes.
Comment: Allele frequency is >5% in gnomAD v2.1.1 (BA1_stand-alone); allele frequency is greater than expected for disorder (BS1_strong); multiple lines of computational evidence suggest no impact on gene or gene product (BP4_supporting)

Mendelics
Classification: Benign for Mucopolysaccharidosis, MPS-IV-A. Last evaluated: 2019-05-28. Review status: criteria provided, single submitter. Criteria: Mendelics Assertion Criteria 2017. Collection method: clinical testing. Allele origin: unknown.

Illumina Laboratory Services, Illumina
Classification: Benign for Mucopolysaccharidosis, MPS-IV-A. Last evaluated: 2018-03-06. Review status: criteria provided, single submitter. Criteria: ICSL Variant Classification Criteria 13 December 2019. Collection method: clinical testing. Allele origin: germline.
Comment: This variant was observed in the ICSL laboratory as part of a predisposition screen in an ostensibly healthy population. It had not been previously curated by ICSL or reported in the Human Gene Mutation Database (HGMD: prior to June 1st, 2018), and was therefore a candidate for classification through an automated scoring system. Utilizing variant allele frequency, disease prevalence and penetrance estimates, and inheritance mode, an automated score was calculated to assess if this variant is too frequent to cause the disease. Based on the score and internal cut-off values, a variant classified as benign is not then subjected to further curation. The score for this variant resulted in a classification of benign for this disease.

Eurofins Ntd Llc (ga)
Classification: Benign. Last evaluated: 2015-02-23. Review status: criteria provided, single submitter. Criteria: EGL Classification Definitions 2015. Collection method: clinical testing. Allele origin: germline. Observed: 4 variant alleles, 4 heterozygotes.

Breakthrough Genomics
Classification: Benign. Review status: criteria provided, single submitter. Criteria: ACMG Guidelines, 2015. Collection method: not provided. Allele origin: germline. Inheritance: Autosomal recessive inheritance. Affected: yes.

Literature cited by the submitters: PubMed 30458289 (cited by Laboratory of Diagnosis and Therapy of Lysosomal Disorders, University of Padova); PubMed 31991612 (cited by Laboratory of Diagnosis and Therapy of Lysosomal Disorders, University of Padova); PubMed 34387910 (cited by Laboratory of Diagnosis and Therapy of Lysosomal Disorders, University of Padova).